The following is an entry in ClinVar:

NM_014244.5(ADAMTS2):c.732C>T (p.Gly244=)

Gene: ADAMTS2 (ADAM metallopeptidase with thrombospondin type 1 motif 2; minus strand). Cytogenetic location: 5q35.3.
Variant type: single nucleotide variant.
Coding change: c.732C>T on transcript NM_014244.5 (MANE Select); coding-DNA position 732, C replaced by T.
Protein change: p.Gly244=; no amino-acid change (glycine 244 retained).
Molecular consequence: synonymous variant.
Genome position (GRCh38, 1-based): chr5:179,207,672, G>A on the plus strand (C>T on the coding strand, the complement: ADAMTS2 is on the minus strand). VCF-style: chr5-179207672-G-A. GRCh37 (hg19) VCF-style: chr5-178634673-G-A.
Other names: c.732C>T, p.Gly244= (NM_021599.4).
Identifiers: ClinVar variation 469679 (VCV000469679.18), dbSNP rs143069972, ClinGen allele CA3596183.

ClinVar aggregate classification (germline): Likely benign. Review status: criteria provided, multiple submitters, no conflicts (2 of 4 stars). 5 submissions from 5 submitters: Likely benign (5). Last evaluated 2026-02-02.

Conditions:
ADAMTS2-related disorder. Also called: ADAMTS2-related condition.
Ehlers-Danlos syndrome, dermatosparaxis type. Also called: EDS VIIC; Dermatosparaxis; Ehlers-Danlos syndrome, type VII, autosomal recessive. Identifiers: Orphanet 1901, MedGen C2700425, MONDO:0009161, OMIM 225410.

Allele frequency attached by ClinVar (database versions not stated): 1000 Genomes Project below 0.00001; gnomAD exomes 0.00005 and 0.00015; ExAC 0.00017; gnomAD 0.00057 and 0.00063; TOPMed 0.00074; ESP Exome Variant Server 0.00085.
gnomAD v4.1: 162 of 1,613,302 alleles (0.01%); highest among the groups gnomAD compares: African/African-American, 0.17%; 1 homozygote.

Submissions (5):

Labcorp Genetics (formerly Invitae), Labcorp
Classification: Likely benign for Ehlers-Danlos syndrome, dermatosparaxis type. Last evaluated: 2026-02-02. Review status: criteria provided, single submitter. Criteria: Invitae Variant Classification Sherloc (09022015). Collection method: clinical testing. Allele origin: germline.

Women's Health and Genetics/Laboratory Corporation of America, LabCorp
Classification: Likely benign. Last evaluated: 2025-01-14. Review status: criteria provided, single submitter. Criteria: LabCorp Variant Classification Summary - May 2015. Collection method: clinical testing. Allele origin: germline.

PreventionGenetics, part of Exact Sciences
Classification: Likely benign for ADAMTS2-related condition. Last evaluated: 2024-10-17. Review status: criteria provided, single submitter. Criteria: ACMG Guidelines, 2015. Collection method: clinical testing. Allele origin: germline.
Comment: This variant is classified as likely benign based on ACMG/AMP sequence variant interpretation guidelines (Richards et al. 2015 PMID: 25741868, with internal and published modifications).

GeneDx
Classification: Likely benign. Last evaluated: 2021-03-23. Review status: criteria provided, single submitter. Criteria: GeneDx Variant Classification Process June 2021. Collection method: clinical testing. Allele origin: germline. Affected: yes.

Breakthrough Genomics
Classification: Likely benign. Review status: criteria provided, single submitter. Criteria: ACMG Guidelines, 2015. Collection method: not provided. Allele origin: germline. Inheritance: Autosomal recessive inheritance. Affected: yes.